The following is an entry in ClinVar:

ClinVar aggregate classification (germline): Uncertain significance (1 of 4 stars; one submission).

Submission:

Labcorp Genetics (formerly Invitae), Labcorp
Classification: Uncertain significance. Last evaluated: 2023-12-21. Review status: criteria provided, single submitter. Criteria: Invitae Variant Classification Sherloc (09022015). Collection method: clinical testing. Allele origin: germline.
Comment: This sequence change creates a premature translational stop signal (p.Gln876Serfs*5) in the FMN1 gene. It is expected to result in an absent or disrupted protein product. However, the current clinical and genetic evidence is not sufficient to establish whether loss-of-function variants in FMN1 cause disease. This variant is not present in population databases (gnomAD no frequency). This variant has not been reported in the literature in individuals affected with FMN1-related conditions. In summary, the available evidence is currently insufficient to determine the role of this variant in disease. Therefore, it has been classified as a Variant of Uncertain Significance.

NM_001277313.2(FMN1):c.3291_3294dup (p.Gln1099fs)

Gene: FMN1 (formin 1; minus strand). Cytogenetic location: 15q13.3.
Variant type: Duplication.
Coding change: c.3291_3294dup on transcript NM_001277313.2 (MANE Select); coding-DNA positions 3291 to 3294, 4 bases duplicated (AGCC; older notation c.3291_3294dupAGCC).
Protein change: p.Gln1099fs; shifts the reading frame from glutamine 1099.
Molecular consequence: frameshift variant.
Genome position (GRCh38, 1-based): chr15:32,908,573-32,908,576, GGCT duplicated on the plus strand (AGCC on the coding strand, the reverse complement: FMN1 is on the minus strand). VCF-style (leftmost placement, unchanged base first): chr15-32908572-G-GGGCT. GRCh37 (hg19) VCF-style: chr15-33200773-G-GGGCT.
Other names: c.2622_2625dup, p.Gln876fs (NM_001103184.4); short protein forms Q1099fs, Q876fs.
Identifiers: ClinVar variation 2704381 (VCV002704381.3), dbSNP rs2549174894, ClinGen allele CA2697554317.